The following is an entry in ClinVar:

ClinVar aggregate classification (germline): Uncertain significance (1 of 4 stars; one submission).

Submission:

GeneDx
Classification: Uncertain significance. Last evaluated: 2024-04-01. Review status: criteria provided, single submitter. Criteria: GeneDx Variant Classification Process June 2021. Collection method: clinical testing. Allele origin: germline. Affected: yes.
Comment: Not observed at significant frequency in large population cohorts (gnomAD); In silico analysis supports that this missense variant has a deleterious effect on protein structure/function; Has not been previously published as pathogenic or benign to our knowledge

NM_003482.4(KMT2D):c.13855C>T (p.Pro4619Ser)

Gene: KMT2D (lysine methyltransferase 2D; minus strand). Cytogenetic location: 12q13.12.
Variant type: single nucleotide variant.
Coding change: c.13855C>T on transcript NM_003482.4 (MANE Select); coding-DNA position 13855, C replaced by T.
Protein change: p.Pro4619Ser; replaces proline 4619 with serine.
Molecular consequence: missense variant.
Genome position (GRCh38, 1-based): chr12:49,030,424, G>A on the plus strand (C>T on the coding strand, the complement: KMT2D is on the minus strand). VCF-style: chr12-49030424-G-A. GRCh37 (hg19) VCF-style: chr12-49424207-G-A.
Other names: short protein forms P4619S.
Identifiers: ClinVar variation 3371819 (VCV003371819.1).